The following is an entry in ClinVar:

ClinVar aggregate classification (germline): Uncertain significance. Review status: criteria provided, multiple submitters, no conflicts (2 of 4 stars). 4 submissions from 4 submitters: Uncertain significance (3). 1 of the submissions does not count toward it. Last evaluated 2024-11-21.

Conditions:
Inborn genetic diseases. Identifiers: MedGen C0950123, MeSH D030342.
SAMD9L-related disorder. Also called: SAMD9L-related disorders; SAMD9L-related condition.

Allele frequency attached by ClinVar (database versions not stated): ExAC 0.00002; TOPMed 0.00002; gnomAD 0.00003; 1000 Genomes Project 30x 0.00016; 1000 Genomes Project 0.00020.
gnomAD v4.1: 130 of 1,613,668 alleles (0.0081%); highest among the groups gnomAD compares: East Asian, 0.29%; no homozygotes.

Submissions (4):

Ambry Genetics
Classification: Uncertain significance for Inborn genetic diseases. Last evaluated: 2024-11-21. Review status: criteria provided, single submitter. Criteria: Ambry Variant Classification Scheme 2023. Collection method: clinical testing. Allele origin: germline.
Comment: The p.M752I variant (also known as c.2256G>A), located in coding exon 1 of the SAMD9L gene, results from a G to A substitution at nucleotide position 2256. The methionine at codon 752 is replaced by isoleucine, an amino acid with highly similar properties. This amino acid position is conserved. In addition, the in silico prediction for this alteration is inconclusive. Based on the available evidence, the clinical significance of this variant remains unclear.

Labcorp Genetics (formerly Invitae), Labcorp
Classification: Uncertain significance. Last evaluated: 2024-08-29. Review status: criteria provided, single submitter. Criteria: Invitae Variant Classification Sherloc (09022015). Collection method: clinical testing. Allele origin: germline.
Comment: This sequence change replaces methionine, which is neutral and non-polar, with isoleucine, which is neutral and non-polar, at codon 752 of the SAMD9L protein (p.Met752Ile). This variant is present in population databases (rs182594567, gnomAD 0.01%). This variant has not been reported in the literature in individuals affected with SAMD9L-related conditions. ClinVar contains an entry for this variant (Variation ID: 1964112). Invitae Evidence Modeling of protein sequence and biophysical properties (such as structural, functional, and spatial information, amino acid conservation, physicochemical variation, residue mobility, and thermodynamic stability) indicates that this missense variant is expected to disrupt SAMD9L protein function with a positive predictive value of 80%. In summary, the available evidence is currently insufficient to determine the role of this variant in disease. Therefore, it has been classified as a Variant of Uncertain Significance.

GeneDx
Classification: Uncertain significance. Last evaluated: 2023-04-25. Review status: criteria provided, single submitter. Criteria: GeneDx Variant Classification Process June 2021. Collection method: clinical testing. Allele origin: germline. Affected: yes.
Comment: Not observed at significant frequency in large population cohorts (gnomAD); In silico analysis supports that this missense variant does not alter protein structure/function; Observed in an individual with acute lymphoblastic leukemia with secondary rectal, breast, and ovarian tumors (Tatsuo Watanabe et al., 2022); This variant is associated with the following publications: (PMID: 28545555, WatanabeT2022[article])

PreventionGenetics, part of Exact Sciences
Classification: Uncertain significance for SAMD9L-related condition. Last evaluated: 2024-04-27. Review status: no assertion criteria provided. Collection method: clinical testing. Allele origin: germline. Not counted in ClinVar's aggregate classification.
Comment: The SAMD9L c.2256G>A variant is predicted to result in the amino acid substitution p.Met752Ile. To our knowledge, this variant has not been reported in the literature. This variant is reported in 0.022% of alleles in individuals of East Asian descent in gnomAD. In ClinVar, this variant is interpreted as uncertain. Although we suspect that this variant may be benign, at this time, the clinical significance of this variant is uncertain due to the absence of conclusive functional and genetic evidence.

NM_152703.5(SAMD9L):c.2256G>A (p.Met752Ile)

Gene: SAMD9L (sterile alpha motif domain containing 9 like; minus strand). Cytogenetic location: 7q21.2.
Variant type: single nucleotide variant.
Coding change: c.2256G>A on transcript NM_152703.5 (MANE Select); coding-DNA position 2256, G replaced by A.
Protein change: p.Met752Ile; replaces methionine 752 with isoleucine.
Molecular consequence: missense variant.
Genome position (GRCh38, 1-based): chr7:93,133,716, C>T on the plus strand (G>A on the coding strand, the complement: SAMD9L is on the minus strand). VCF-style: chr7-93133716-C-T. GRCh37 (hg19) VCF-style: chr7-92763029-C-T.
Other names: c.2256G>A (NM_152703.3, NM_152703.2); c.2256G>A, p.Met752Ile (NM_001303496.3, NM_001303497.3, NM_001303498.3 and 5 more transcripts); short protein forms M752I.
Identifiers: ClinVar variation 1964112 (VCV001964112.8), dbSNP rs182594567, ClinGen allele CA4343613.